The following is an entry in ClinVar:

ClinVar aggregate classification (germline): Uncertain significance (1 of 4 stars; one submission).

Conditions:
TJP1-related disorder. Also called: TJP1-related condition.

Submission:

PreventionGenetics, part of Exact Sciences
Classification: Uncertain significance for TJP1-related condition. Last evaluated: 2026-08-06. Review status: criteria provided, single submitter. Criteria: ACMG Guidelines, 2015. Collection method: clinical testing. Allele origin: germline.
Comment: The TJP1 c.4544T>C variant is predicted to result in the amino acid substitution p.Ile1515Thr. To our knowledge, this variant has not been reported in the literature or in a large population database (gnomAD), indicating this variant is rare. At this time, the clinical significance of this variant is uncertain due to the absence of conclusive functional and genetic evidence.

NM_001330239.4(TJP1):c.4265T>C (p.Ile1422Thr)

Gene: TJP1 (tight junction protein 1; minus strand). Cytogenetic location: 15q13.1.
Variant type: single nucleotide variant.
Coding change: c.4265T>C on transcript NM_001330239.4 (MANE Select); coding-DNA position 4265, T replaced by C.
Protein change: p.Ile1422Thr; replaces isoleucine 1422 with threonine.
Molecular consequence: missense variant.
Genome position (GRCh38, 1-based): chr15:29,710,938, A>G on the plus strand (T>C on the coding strand, the complement: TJP1 is on the minus strand). VCF-style: chr15-29710938-A-G. GRCh37 (hg19) VCF-style: chr15-30003142-A-G.
Other names: c.4544T>C, p.Ile1515Thr (NM_001301025.3, NM_001355012.2); c.4037T>C, p.Ile1346Thr (NM_001301026.2); c.4277T>C, p.Ile1426Thr (NM_001355013.1); c.4265T>C, p.Ile1422Thr (NM_001355014.2, NM_003257.5); c.4025T>C, p.Ile1342Thr (NM_001355015.2, NM_175610.4); short protein forms I1342T, I1346T, I1422T, I1426T, I1515T.
Identifiers: ClinVar variation 3348801 (VCV003348801.2).
Genomic context (GRCh38, chr15:29,710,938, plus strand): 5'-ACAGGCTGAGATGGCTGGGCATACTGCGAGGGCAATGGAGGAGGAGGGGGAGTGGCCTGG[A>G]TGGGTTCATAGCGTTTCTCGCCAAATGATCTATCCACACCATCAGCTTCAGGAGGCTTTC-3'
Protein context (NP_001317168.1, residues 1412-1432): RSFGEKRYEP[Ile1422Thr]QATPPPPPLP